The following is an entry in ClinVar:

ClinVar aggregate classification (germline): Pathogenic. Review status: criteria provided, multiple submitters, no conflicts (2 of 4 stars). 6 submissions from 6 submitters: Pathogenic (5). 1 of the submissions does not count toward it. Last evaluated 2025-08-04.

Conditions:
Severe combined immunodeficiency, autosomal recessive, T cell-negative, B cell-negative, NK cell-positive. Also called: SCID, AR, T-cell negative, B-cell negative, NK cell-positive; Severe combined immunodeficiency due to complete RAG1/2 deficiency; SCID, T CELL-NEGATIVE, B CELL-NEGATIVE, NK CELL-POSITIVE. Identifiers: Orphanet 331206, MedGen C1832322, MONDO:0011086, OMIM 601457.
Combined immunodeficiency with skin granulomas. Identifiers: Orphanet 157949, MedGen C2673536, MONDO:0009306, OMIM 233650.
Severe combined immunodeficiency disease. Also called: Severe Combined Immune Deficiency; Severe combined immunodeficiency. Identifiers: Orphanet 183660, MedGen C0085110, MeSH D016511, MONDO:0015974, HP:0004430. Inheritance: X-Linked or Autosomal recessive.
Combined immunodeficiency due to partial RAG1 deficiency. Identifiers: Orphanet 231154, MedGen C1835931, MONDO:0012359, OMIM 609889.

Allele frequency attached by ClinVar (database versions not stated): gnomAD exomes below 0.00001; gnomAD 0.00001.
gnomAD v4.1: 8 of 1,614,054 alleles (0.0005%); highest among the groups gnomAD compares: East Asian, 0.0022%; no homozygotes.

Submissions (6):

Centre of Medical Genetics, University Hospital Muenster
Classification: Pathogenic. Last evaluated: 2025-08-04. Review status: criteria provided, single submitter. Criteria: ACMG Guidelines, 2015. Collection method: clinical testing. Allele origin: unknown. Affected: yes. Observed: 1 variant allele, 1 heterozygote.
Comment: ACMG categories: PS3_mod,PM1_sup,PM2_sup,PM3_strong,PM5

Baylor Genetics
Classification: Pathogenic for Combined immunodeficiency due to partial RAG1 deficiency. Last evaluated: 2024-02-17. Review status: criteria provided, single submitter. Criteria: ACMG Guidelines, 2015. Collection method: clinical testing. Allele origin: unknown.

Labcorp Genetics (formerly Invitae), Labcorp
Classification: Pathogenic for Combined immunodeficiency with skin granulomas; Severe combined immunodeficiency, autosomal recessive, T cell-negative, B cell-negative, NK cell-positive. Last evaluated: 2023-10-15. Review status: criteria provided, single submitter. Criteria: Invitae Variant Classification Sherloc (09022015). Collection method: clinical testing. Allele origin: germline.
Comment: This sequence change replaces arginine, which is basic and polar, with glutamine, which is neutral and polar, at codon 778 of the RAG1 protein (p.Arg778Gln). This variant is not present in population databases (gnomAD no frequency). This missense change has been observed in individual(s) with "leaky" SCID and/or severe combined immunodeficiency (SCID) (PMID: 18463379, 24290284, 27609655, 33628209). In at least one individual the data is consistent with being in trans (on the opposite chromosome) from a pathogenic variant. ClinVar contains an entry for this variant (Variation ID: 13158). Advanced modeling of protein sequence and biophysical properties (such as structural, functional, and spatial information, amino acid conservation, physicochemical variation, residue mobility, and thermodynamic stability) has been performed at Invitae for this missense variant, however the output from this modeling did not meet the statistical confidence thresholds required to predict the impact of this variant on RAG1 protein function. Experimental studies have shown that this missense change affects RAG1 function (PMID: 24290284). This variant disrupts the p.Arg778 amino acid residue in RAG1. Other variant(s) that disrupt this residue have been determined to be pathogenic (PMID: 16960852, 24144642, 24290284, 26476733; Invitae). This suggests that this residue is clinically significant, and that variants that disrupt this residue are likely to be disease-causing. For these reasons, this variant has been classified as Pathogenic.

Women's Health and Genetics/Laboratory Corporation of America, LabCorp
Classification: Pathogenic for Severe combined immunodeficiency disease. Last evaluated: 2023-04-28. Review status: criteria provided, single submitter. Criteria: LabCorp Variant Classification Summary - May 2015. Collection method: clinical testing. Allele origin: germline.
Comment: Variant summary: RAG1 c.2333G>A (p.Arg778Gln) results in a conservative amino acid change in the encoded protein sequence. Four of five in-silico tools predict a damaging effect of the variant on protein function. The variant was absent in 251206 control chromosomes. c.2333G>A has been reported in the literature in homozygote and compound heterozygote individuals affected with Severe Combined Immunodeficiency (examples: Scheutz_2008, Kumanovics_2017, Vignesh_2021). These data indicate that the variant is likely to be associated with disease. At least one publication reports experimental evidence evaluating an impact on protein function. The most pronounced variant effect results in <10% of normal VDJ recombination activity (examples: Scheutz_2008, Lee_2014). The following publications have been ascertained in the context of this evaluation (PMID: 27609655, 24290284, 18463379, 33628209). Two clinical diagnostic laboratories have submitted clinical-significance assessments for this variant to ClinVar after 2014 without evidence for independent evaluation, classifying the variant as pathogenic (n=2). Based on the evidence outlined above, the variant was classified as pathogenic.

GeneDx
Classification: Pathogenic. Last evaluated: 2017-03-14. Review status: criteria provided, single submitter. Criteria: GeneDx Variant Classification (06012015). Collection method: clinical testing. Allele origin: germline. Affected: yes.
Comment: The R778Q variant has been published previously in association with RAG1-associated disorders (Schuetz et al., 2008; Nijman et al., 2014; KumÃ¡novics et al., 2017). The variant is not observed in large population cohorts (Lek et al., 2016; 1000 Genomes Consortium et al., 2015; Exome Variant Server). R778Q is a semi-conservative amino acid substitution, which may impact secondary protein structure as these residues differ in some properties. This substitution occurs at a position that is conserved across species; in silico analysis is inconsistent in its predictions as to whether or not the variant is damaging to the protein structure/function. However, functional studies have shown R778Q significantly reduces V(D)J recombination activity in comparison to wild-type (Schuetz et al., 2008; Lee et al., 2014). Additionally, missense variants in the same codon (R778G/W) and in a nearby residue (R776W/Q) have been reported in the Human Gene Mutation Database in association with RAG1-related disorders (Stenson et al., 2014), supporting the functional importance of this region of the protein. In summary, we consider this variant to be pathogenic.

OMIM
Classification: Pathogenic for COMBINED CELLULAR AND HUMORAL IMMUNE DEFECTS WITH GRANULOMAS. Last evaluated: 2008-05-08. Review status: no assertion criteria provided. Collection method: literature only. Allele origin: germline. Not counted in ClinVar's aggregate classification.

Literature cited by the submitters: PubMed 18463379 (cited by 3 submitters); PubMed 24290284 (cited by Labcorp Genetics (formerly Invitae), Labcorp and Women's Health and Genetics/Laboratory Corporation of America, LabCorp); PubMed 27609655 (cited by Labcorp Genetics (formerly Invitae), Labcorp and Women's Health and Genetics/Laboratory Corporation of America, LabCorp); PubMed 33628209 (cited by Labcorp Genetics (formerly Invitae), Labcorp and Women's Health and Genetics/Laboratory Corporation of America, LabCorp); PubMed 16960852 (cited by Labcorp Genetics (formerly Invitae), Labcorp); PubMed 24144642 (cited by Labcorp Genetics (formerly Invitae), Labcorp); PubMed 26476733 (cited by Labcorp Genetics (formerly Invitae), Labcorp).

NM_000448.3(RAG1):c.2333G>A (p.Arg778Gln)

Gene: RAG1 (recombination activating 1; plus strand). Cytogenetic location: 11p12.
Variant type: single nucleotide variant.
Coding change: c.2333G>A on transcript NM_000448.3 (MANE Select); coding-DNA position 2333, G replaced by A.
Protein change: p.Arg778Gln; replaces arginine 778 with glutamine.
Molecular consequence: missense variant.
Genome position (GRCh38, 1-based): chr11:36,575,637, G>A. VCF-style: chr11-36575637-G-A. GRCh37 (hg19) VCF-style: chr11-36597187-G-A.
Other names: c.2333G>A, p.Arg778Gln (NM_001377277.1, NM_001377278.1, NM_001377279.1 and 1 more transcripts); short protein forms R778Q.
Identifiers: ClinVar variation 13158 (VCV000013158.9), dbSNP rs121918569, ClinGen allele CA122916.